The following is an entry in ClinVar:

ClinVar aggregate classification (germline): Uncertain significance (1 of 4 stars; one submission).

Conditions:
Hypertrophic cardiomyopathy 10. Also called: MYL2-Related Familial Hypertrophic Cardiomyopathy; CARDIOMYOPATHY, HYPERTROPHIC, MID-LEFT VENTRICULAR CHAMBER TYPE, 2. Identifiers: MedGen C1834460, MONDO:0012112, OMIM 608758.

Submission:

Labcorp Genetics (formerly Invitae), Labcorp
Classification: Uncertain significance for Hypertrophic cardiomyopathy 10. Last evaluated: 2021-12-18. Review status: criteria provided, single submitter. Criteria: Invitae Variant Classification Sherloc (09022015). Collection method: clinical testing. Allele origin: germline.
Comment: This sequence change replaces glycine, which is neutral and non-polar, with arginine, which is basic and polar, at codon 87 of the MYL2 protein (p.Gly87Arg). This variant is not present in population databases (gnomAD no frequency). This variant has not been reported in the literature in individuals affected with MYL2-related conditions. Algorithms developed to predict the effect of missense changes on protein structure and function (SIFT, PolyPhen-2, Align-GVGD) all suggest that this variant is likely to be disruptive. In summary, the available evidence is currently insufficient to determine the role of this variant in disease. Therefore, it has been classified as a Variant of Uncertain Significance.

NM_000432.4(MYL2):c.259G>C (p.Gly87Arg)

Gene: MYL2 (myosin light chain 2; minus strand). Cytogenetic location: 12q24.11.
Variant type: single nucleotide variant.
Coding change: c.259G>C on transcript NM_000432.4 (MANE Select); coding-DNA position 259, G replaced by C.
Protein change: p.Gly87Arg; replaces glycine 87 with arginine.
Molecular consequence: missense variant.
Genome position (GRCh38, 1-based): chr12:110,914,201, C>G on the plus strand (G>C on the coding strand, the complement: MYL2 is on the minus strand). VCF-style: chr12-110914201-C-G. GRCh37 (hg19) VCF-style: chr12-111352005-C-G.
Other names: c.217G>C, p.Gly73Arg (NM_001406745.1, NM_001406746.1); c.202G>C, p.Gly68Arg (NM_001406916.1); short protein forms G87R, G73R, G68R.
Identifiers: ClinVar variation 2046379 (VCV002046379.4), dbSNP rs2136772130, ClinGen allele CA386698670.